The following is an entry in ClinVar:

NM_022089.4(ATP13A2):c.1947C>G (p.Pro649=)

Gene: ATP13A2 (ATPase cation transporting 13A2; minus strand). Cytogenetic location: 1p36.13.
Variant type: single nucleotide variant.
Coding change: c.1947C>G on transcript NM_022089.4 (MANE Select); coding-DNA position 1947, C replaced by G.
Protein change: p.Pro649=; no amino-acid change (proline 649 retained).
Molecular consequence: synonymous variant.
Genome position (GRCh38, 1-based): chr1:16,992,301, G>C on the plus strand (C>G on the coding strand, the complement: ATP13A2 is on the minus strand). VCF-style: chr1-16992301-G-C. GRCh37 (hg19) VCF-style: chr1-17318796-G-C.
Other names: c.1932C>G, p.Pro644= (NM_001141973.3, NM_001141974.3).
Identifiers: ClinVar variation 293786 (VCV000293786.24), dbSNP rs369722835, ClinGen allele CA637030.
Genomic context (GRCh38, chr1:16,992,301, plus strand): 5'-ACCTGTCTCGGGGTTGCAGAGCCCTGCCACCAGCTCCGGGGAGCCTTTGACGTAGGCCTC[G>C]GGCTGAGTGGCCCCTGGCCACGCCACCACCACACTCATGCGCTGCAGAGCCGAAGAGAAG-3'
Protein context (NP_071372.1, residues 639-659): VVVAWPGATQ[Pro649=]EAYVKGSPEL

ClinVar aggregate classification (germline): Conflicting classifications of pathogenicity. Review status: criteria provided, conflicting classifications (1 of 4 stars). 5 submissions from 5 submitters: Uncertain significance (1); Benign (1); Likely benign (3). Last evaluated 2026-09-01.

Conditions:
Kufor-Rakeb syndrome (KRS). Also called: PARKINSON DISEASE 9, AUTOSOMAL RECESSIVE, JUVENILE-ONSET. Identifiers: Orphanet 306674, Orphanet 314632, MedGen C1847640, MONDO:0011706, OMIM 606693.
Autosomal recessive spastic paraplegia type 78. Identifiers: Orphanet 513436, MedGen C5567893, MONDO:0014975, OMIM 617225.
Inborn genetic diseases. Identifiers: MedGen C0950123, MeSH D030342.

Allele frequency attached by ClinVar (database versions not stated): ESP Exome Variant Server 0.00008; TOPMed 0.00009.
gnomAD v4.1: 191 of 1,612,220 alleles (0.012%); highest among the groups gnomAD compares: Admixed American, 0.0067%; no homozygotes.

Submissions (5):

CeGaT Center for Human Genetics Tuebingen
Classification: Likely benign. Last evaluated: 2026-09-01. Review status: criteria provided, single submitter. Criteria: CeGaT Center For Human Genetics Tuebingen Variant Classification Criteria Version 2. Collection method: clinical testing. Allele origin: germline. Affected: yes. Observed: 2 variant alleles.
Comment: ATP13A2: BP4, BP7

Labcorp Genetics (formerly Invitae), Labcorp
Classification: Benign for Kufor-Rakeb syndrome; Autosomal recessive spastic paraplegia type 78. Last evaluated: 2025-12-30. Review status: criteria provided, single submitter. Criteria: Invitae Variant Classification Sherloc (09022015). Collection method: clinical testing. Allele origin: germline.

Blueprint Genetics
Classification: Likely benign. Last evaluated: 2024-11-18. Review status: criteria provided, single submitter. Criteria: ACMG Guidelines, 2015. Collection method: clinical testing. Allele origin: germline.

Illumina Laboratory Services, Illumina
Classification: Uncertain significance for Kufor-Rakeb syndrome. Last evaluated: 2018-01-13. Review status: criteria provided, single submitter. Criteria: ICSL Variant Classification Criteria 13 December 2019. Collection method: clinical testing. Allele origin: germline.

Ambry Genetics
Classification: Likely benign for Inborn genetic diseases. Last evaluated: 2017-09-30. Review status: criteria provided, single submitter. Criteria: Ambry Variant Classification Scheme 2023. Collection method: clinical testing. Allele origin: germline.